The following is an entry in ClinVar:

ClinVar aggregate classification (germline): Conflicting classifications of pathogenicity. Review status: criteria provided, conflicting classifications (1 of 4 stars). 10 submissions from 9 submitters: Uncertain significance (1); Benign (2); Likely benign (7). Last evaluated 2026-08-01.

Conditions:
FLCN-related disorder. Also called: FLCN-related condition.
Birt-Hogg-Dube syndrome 1 (BHD1). Also called: FIBROFOLLICULOMAS WITH TRICHODISCOMAS AND ACROCHORDONS. Identifiers: Orphanet 122, MedGen CN375946, MONDO:0800445, OMIM 135150.
Hereditary cancer-predisposing syndrome. Also called: Hereditary neoplastic syndrome; Tumor predisposition; Neoplastic Syndromes, Hereditary; Hereditary Cancer Syndrome. Identifiers: Orphanet 140162, MedGen C0027672, MeSH D009386, MONDO:0015356.
Birt-Hogg-Dube syndrome. Also called: Birt Hogg Dubé syndrome. Identifiers: Orphanet 122, MedGen C0346010, MONDO:0800444.
Familial spontaneous pneumothorax (PSP). Identifiers: Orphanet 2903, MedGen C1868193, MONDO:0008259, OMIM 173600.

Allele frequency attached by ClinVar (database versions not stated): gnomAD exomes 0.00004; ExAC 0.00005; gnomAD 0.00005; TOPMed 0.00005.
gnomAD v4.1: 75 of 1,614,124 alleles (0.0046%); highest among the groups gnomAD compares: Middle Eastern, 0.016%; no homozygotes.

Submissions (10):

CeGaT Center for Human Genetics Tuebingen
Classification: Likely benign. Last evaluated: 2026-08-01. Review status: criteria provided, single submitter. Criteria: CeGaT Center For Human Genetics Tuebingen Variant Classification Criteria Version 2. Collection method: clinical testing. Allele origin: germline. Affected: yes. Observed: 2 variant alleles.
Comment: FLCN: BP4, BP7

PreventionGenetics, part of Exact Sciences
Classification: Likely benign for FLCN-related condition. Last evaluated: 2026-07-20. Review status: criteria provided, single submitter. Criteria: ACMG Guidelines, 2015. Collection method: clinical testing. Allele origin: germline.
Comment: This variant is classified as likely benign based on ACMG/AMP sequence variant interpretation guidelines (Richards et al. 2015 PMID: 25741868, with internal and published modifications).

Labcorp Genetics (formerly Invitae), Labcorp
Classification: Likely benign for Birt-Hogg-Dube syndrome. Last evaluated: 2026-01-06. Review status: criteria provided, single submitter. Criteria: Invitae Variant Classification Sherloc (09022015). Collection method: clinical testing. Allele origin: germline.

Center for Genomic Medicine, Rigshospitalet, Copenhagen University Hospital
Classification: Likely benign. Last evaluated: 2025-03-04. Review status: criteria provided, single submitter. Criteria: ACMG Guidelines, 2015. Collection method: clinical testing. Allele origin: germline.

Myriad Genetics, Inc.
Classification: Benign for Birt-Hogg-Dube syndrome 1. Last evaluated: 2024-10-23. Review status: criteria provided, single submitter. Criteria: Myriad Autosomal Dominant, Autosomal Recessive and X-Linked Classification Criteria (2023). Collection method: clinical testing. Allele origin: unknown.
Comment: This variant is considered benign. This variant is a silent/synonymous amino acid change and it is not expected to impact splicing.

Blueprint Genetics
Classification: Likely benign. Last evaluated: 2023-03-15. Review status: criteria provided, single submitter. Criteria: ACMG Guidelines, 2015. Collection method: clinical testing. Allele origin: germline.

GeneDx
Classification: Likely benign. Last evaluated: 2018-02-26. Review status: criteria provided, single submitter. Criteria: GeneDx Variant Classification (06012015). Collection method: clinical testing. Allele origin: germline. Affected: yes.
Comment: This variant is considered likely benign or benign based on one or more of the following criteria: it is a conservative change, it occurs at a poorly conserved position in the protein, it is predicted to be benign by multiple in silico algorithms, and/or has population frequency not consistent with disease.

Illumina Laboratory Services, Illumina
Classification: Uncertain significance for Familial spontaneous pneumothorax. Last evaluated: 2018-01-12. Review status: criteria provided, single submitter. Criteria: ICSL Variant Classification Criteria 13 December 2019. Collection method: clinical testing. Allele origin: germline.

Illumina Laboratory Services, Illumina
Classification: Benign for Birt-Hogg-Dube syndrome 1. Last evaluated: 2018-01-12. Review status: criteria provided, single submitter. Criteria: ICSL Variant Classification Criteria 13 December 2019. Collection method: clinical testing. Allele origin: germline.
Comment: This variant was observed in the ICSL laboratory as part of a predisposition screen in an ostensibly healthy population. It had not been previously curated by ICSL or reported in the Human Gene Mutation Database (HGMD: prior to June 1st, 2018), and was therefore a candidate for classification through an automated scoring system. Utilizing variant allele frequency, disease prevalence and penetrance estimates, and inheritance mode, an automated score was calculated to assess if this variant is too frequent to cause the disease. Based on the score and internal cut-off values, a variant classified as benign is not then subjected to further curation. The score for this variant resulted in a classification of benign for this disease.

Ambry Genetics
Classification: Likely benign for Hereditary cancer-predisposing syndrome. Last evaluated: 2015-09-04. Review status: criteria provided, single submitter. Criteria: Ambry Variant Classification Scheme 2023. Collection method: clinical testing. Allele origin: germline.

NM_144997.7(FLCN):c.708C>T (p.Asn236=)

Gene: FLCN (folliculin; minus strand). Cytogenetic location: 17p11.2.
Variant type: single nucleotide variant.
Coding change: c.708C>T on transcript NM_144997.7 (MANE Select); coding-DNA position 708, C replaced by T.
Protein change: p.Asn236=; no amino-acid change (asparagine 236 retained).
Molecular consequence: synonymous variant.
Genome position (GRCh38, 1-based): chr17:17,222,572, G>A on the plus strand (C>T on the coding strand, the complement: FLCN is on the minus strand). VCF-style: chr17-17222572-G-A. GRCh37 (hg19) VCF-style: chr17-17125886-G-A.
Other names: c.708C>T (LRG_325t1); c.762C>T, p.Asn254= (NM_001353229.2); c.708C>T, p.Asn236= (NM_001353230.2, NM_001353231.2, NM_144606.7).
Identifiers: ClinVar variation 460627 (VCV000460627.32), dbSNP rs750394475, ClinGen allele CA8416334.